The following is an entry in ClinVar:

ClinVar aggregate classification (germline): Conflicting classifications of pathogenicity. Review status: criteria provided, conflicting classifications (1 of 4 stars). 2 submissions from 2 submitters: Uncertain significance (1); Likely benign (1). Last evaluated 2022-09-19.

Conditions:
Specific granule deficiency 1 (SGD1). Also called: LACTOFERRIN-DEFICIENT NEUTROPHILS; NEUTROPHIL LACTOFERRIN DEFICIENCY. Identifiers: Orphanet 169142, MedGen C4551556, MONDO:0044207, OMIM 245480.

gnomAD v4.1: 4 of 1,613,090 alleles (0.00025%); highest among the groups gnomAD compares: African/African-American, 0.0013%; no homozygotes.

Submissions (2):

Blueprint Genetics
Classification: Likely benign. Last evaluated: 2022-09-19. Review status: criteria provided, single submitter. Criteria: ACMG Guidelines, 2015. Collection method: clinical testing. Allele origin: germline.

Labcorp Genetics (formerly Invitae), Labcorp
Classification: Uncertain significance for Neutrophil lactoferrin deficiency. Last evaluated: 2018-12-18. Review status: criteria provided, single submitter. Criteria: Invitae Variant Classification Sherloc (09022015). Collection method: clinical testing. Allele origin: germline.
Comment: This sequence change affects codon 22 of the CEBPE mRNA. It is a 'silent' change, meaning that it does not change the encoded amino acid sequence of the CEBPE protein. This variant is present in population databases (rs776941005, ExAC 0.002%). This variant has not been reported in the literature in individuals with CEBPE-related conditions. Algorithms developed to predict the effect of sequence changes on RNA splicing suggest that this variant may create or strengthen a splice site, but this prediction has not been confirmed by published transcriptional studies. In summary, the available evidence is currently insufficient to determine the role of this variant in disease. Therefore, it has been classified as a Variant of Uncertain Significance.

NM_001805.4(CEBPE):c.66G>T (p.Gly22=)

Gene: CEBPE (CCAAT enhancer binding protein epsilon; minus strand). Cytogenetic location: 14q11.2.
Variant type: single nucleotide variant.
Coding change: c.66G>T on transcript NM_001805.4 (MANE Select); coding-DNA position 66, G replaced by T.
Protein change: p.Gly22=; no amino-acid change (glycine 22 retained).
Molecular consequence: synonymous variant.
Genome position (GRCh38, 1-based): chr14:23,119,026, C>A on the plus strand (G>T on the coding strand, the complement: CEBPE is on the minus strand). VCF-style: chr14-23119026-C-A. GRCh37 (hg19) VCF-style: chr14-23588235-C-A.
Identifiers: ClinVar variation 640081 (VCV000640081.2), dbSNP rs776941005, ClinGen allele CA7111304.